The following is an entry in ClinVar:

ClinVar aggregate classification (germline): Likely benign (0 of 4 stars; one submission).

Conditions:
DYM-related disorder. Also called: DYM-related condition.

Allele frequency attached by ClinVar (database versions not stated): gnomAD 0.00001; gnomAD exomes 0.00001; ExAC 0.00002; TOPMed 0.00002.
gnomAD v4.1: 11 of 1,613,748 alleles (0.00068%); highest among the groups gnomAD compares: Admixed American, 0.015%; no homozygotes.

Submission:

PreventionGenetics, part of Exact Sciences
Classification: Likely benign for DYM-related condition. Last evaluated: 2019-08-13. Review status: no assertion criteria provided. Collection method: clinical testing. Allele origin: germline.
Comment: This variant is classified as likely benign based on ACMG/AMP sequence variant interpretation guidelines (Richards et al. 2015 PMID: 25741868, with internal and published modifications).

NM_001353214.3(DYM):c.2020C>T (p.Leu674=)

Gene: DYM (dymeclin; minus strand). Cytogenetic location: 18q21.1.
Variant type: single nucleotide variant.
Coding change: c.2020C>T on transcript NM_001353214.3 (MANE Select); coding-DNA position 2020, C replaced by T.
Protein change: p.Leu674=; no amino-acid change (leucine 674 retained).
Molecular consequence: synonymous variant. On other transcripts: intron variant (3).
Genome position (GRCh38, 1-based): chr18:49,097,407, G>A on the plus strand (C>T on the coding strand, the complement: DYM is on the minus strand). VCF-style: chr18-49097407-G-A. GRCh37 (hg19) VCF-style: chr18-46623777-G-A.
Other names: c.1852C>T, p.Leu618= (NM_001353210.3, NM_001353211.3); c.2017C>T, p.Leu673= (NM_001353212.3, NM_001353213.3); c.1837C>T, p.Leu613= (NM_001353215.3); c.1672C>T, p.Leu558= (NM_001353216.3, NM_001374437.1); c.2020C>T, p.Leu674= (NM_001374428.1, NM_001374430.1); c.2014C>T, p.Leu672= (NM_001374429.1); c.1894C>T, p.Leu632= (NM_001374432.1); c.1855C>T, p.Leu619= (NM_001374433.1, NM_017653.6); and 11 more.
Identifiers: ClinVar variation 3053278 (VCV003053278.2), dbSNP rs757641481, ClinGen allele CA8957937.